The following is an entry in ClinVar:

NM_006070.6(TFG):c.722-25TG[11]

Gene: TFG (trafficking from ER to golgi regulator; plus strand). Cytogenetic location: 3q12.2.
Variant type: Microsatellite.
Coding change: c.722-25TG[11] on transcript NM_006070.6 (MANE Select); 11 copies in a row of the 2-base unit TG starting at c.722-25.
Molecular consequence: intron variant.
Genome position: GRCh38 VCF-style: chr3-100744807-T-TTGTG. GRCh37 (hg19) VCF-style: chr3-100463651-T-TTGTG.
Other names: NC_000003.11:g.100463667_100463670dup; c.722-10_722-7dup (NM_006070.6); c.722-25TG[11] (NM_001007565.2, NM_001195478.2); c.710-25TG[11] (NM_001195479.2).
Identifiers: ClinVar variation 1267258 (VCV001267258.16), dbSNP rs371704682, ClinGen allele CA2517169.

ClinVar aggregate classification (germline): Benign/Likely benign. Review status: criteria provided, multiple submitters, no conflicts (2 of 4 stars). 2 submissions from 2 submitters: Benign (1); Likely benign (1). Last evaluated 2026-08-01.

Submissions (3):

CeGaT Center for Human Genetics Tuebingen
Classification: Likely benign. Last evaluated: 2026-08-01. Review status: criteria provided, single submitter. Criteria: CeGaT Center For Human Genetics Tuebingen Variant Classification Criteria Version 2. Collection method: clinical testing. Allele origin: germline. Affected: yes. Observed: 24 variant alleles.
Comment: TFG: BP4, BS2

GeneDx
Classification: Benign. Last evaluated: 2016-07-07. Review status: criteria provided, single submitter. Criteria: GeneDx Variant Classification Process June 2021. Collection method: clinical testing. Allele origin: germline. Affected: yes.

Dr. Peter K. Rogan Lab, Western University
No classification provided (evidence only). Condition: Ovarian cancer. Review status: no classification provided. Collection method: in vitro. Allele origin: not applicable. Functional consequence: retained intron. Not counted in ClinVar's aggregate classification.